The following is an entry in ClinVar:

ClinVar aggregate classification (germline): Likely benign. Review status: criteria provided, multiple submitters, no conflicts (2 of 4 stars). 2 submissions from 2 submitters: Likely benign (2). Last evaluated 2025-06-10.

Conditions:
Myasthenic syndrome, congenital, 22 (CMS22). Also called: PREPL DEFICIENCY. Identifiers: MedGen C4479088, MONDO:0044299, OMIM 616224.

Allele frequency attached by ClinVar (database versions not stated): gnomAD exomes 0.00001; TOPMed 0.00009; ESP Exome Variant Server 0.00023; ExAC 0.00003; gnomAD 0.00008.
gnomAD v4.1: 21 of 1,611,704 alleles (0.0013%); highest among the groups gnomAD compares: African/African-American, 0.023%; no homozygotes.

Submissions (2):

Mayo Clinic Laboratories, Mayo Clinic
Classification: Likely benign. Last evaluated: 2025-06-10. Review status: criteria provided, single submitter. Criteria: ACMG Guidelines, 2015. Collection method: clinical testing. Allele origin: germline. Observed: 1 variant allele.
Comment: BP4, BP7

Labcorp Genetics (formerly Invitae), Labcorp
Classification: Likely benign for Myasthenic syndrome, congenital, 22. Last evaluated: 2024-04-26. Review status: criteria provided, single submitter. Criteria: Invitae Variant Classification Sherloc (09022015). Collection method: clinical testing. Allele origin: germline.

NM_001171613.2(PREPL):c.-49+1791T>C

Gene: PREPL (prolyl endopeptidase like; minus strand). Cytogenetic location: 2p21.
Variant type: single nucleotide variant.
Coding change: c.-49+1791T>C on transcript NM_001171613.2 (MANE Select); 1791 bases into the intron after 49 bases upstream of the start codon, T replaced by C.
Molecular consequence: intron variant. On other transcripts: synonymous variant (7).
Genome position (GRCh38, 1-based): chr2:44,359,589, A>G on the plus strand (T>C on the coding strand, the complement: PREPL is on the minus strand). VCF-style: chr2-44359589-A-G. GRCh37 (hg19) VCF-style: chr2-44586728-A-G.
Other names: p.Leu43=; c.127T>C, p.Leu43= (NM_001042385.2, NM_001042386.2, NM_001171603.1 and 4 more transcripts); c.-49+1935T>C (NM_001171617.1); c.-49+1828T>C (NM_001374277.1).
Identifiers: ClinVar variation 2063076 (VCV002063076.5), dbSNP rs144734530, ClinGen allele CA1641742.
Genomic context (GRCh38, chr2:44,359,589, plus strand): 5'-TTGCTAACTCTGATATCTTGGGTTTATTCTGAAGACACTTGGTTAGGTGATATTTTTTCA[A>G]TTTTATTCTATTGTAACAATGATCAGCGAAGTTATAGTGATTCAAATGCTGTTTCTGCAT-3'